The following is an entry in ClinVar:

NM_012301.4(MAGI2):c.1717C>G (p.Pro573Ala)

Gene: MAGI2 (membrane associated guanylate kinase, WW and PDZ domain containing 2; minus strand). Cytogenetic location: 7q21.11.
Variant type: single nucleotide variant.
Coding change: c.1717C>G on transcript NM_012301.4 (MANE Select); coding-DNA position 1717, C replaced by G.
Protein change: p.Pro573Ala; replaces proline 573 with alanine.
Molecular consequence: missense variant.
Genome position (GRCh38, 1-based): chr7:78,256,273, G>C on the plus strand (C>G on the coding strand, the complement: MAGI2 is on the minus strand). VCF-style: chr7-78256273-G-C. GRCh37 (hg19) VCF-style: chr7-77885590-G-C.
Other names: c.1717C>G, p.Pro573Ala (NM_001301128.2); c.1717C>G (NM_012301.3); short protein forms P573A.
Identifiers: ClinVar variation 1345986 (VCV001345986.9), dbSNP rs145925666, ClinGen allele CA4313962.
Genomic context (GRCh38, chr7:78,256,273, plus strand): 5'-TAGACACATTGTCATCATGGACGGGCGGTGGATACGTGCCGTCTAGCTGACCATCAGTTG[G>C]CATGGAGTGCAGAGAATGAGGCGGCCGATCTGTTATATCTGGAACTGACTGTGAGGTCCG-3'
Protein context (NP_036433.2, residues 563-583): DRPPHSLHSM[Pro573Ala]TDGQLDGTYP

ClinVar aggregate classification (germline): Conflicting classifications of pathogenicity. Review status: criteria provided, conflicting classifications (1 of 4 stars). 3 submissions from 3 submitters: Uncertain significance (2); Likely benign (1). Last evaluated 2024-03-08.

Conditions:
Nephrotic syndrome 15. Identifiers: MedGen C4539896, MONDO:0033262, OMIM 617609.

Allele frequency attached by ClinVar (database versions not stated): gnomAD exomes 0.00006; ExAC 0.00007; gnomAD 0.00010 and 0.00011; TOPMed 0.00011; ESP Exome Variant Server 0.00015; 1000 Genomes Project 30x 0.00016; 1000 Genomes Project 0.00020.
gnomAD v4.1: 153 of 1,614,078 alleles (0.0095%); highest among the groups gnomAD compares: East Asian, 0.27%; 1 homozygote.

Submissions (3):

Fulgent Genetics
Classification: Likely benign for Nephrotic syndrome 15. Last evaluated: 2024-03-08. Review status: criteria provided, single submitter. Criteria: ACMG Guidelines, 2015. Collection method: clinical testing. Allele origin: germline.

Ambry Genetics
Classification: Uncertain significance. Last evaluated: 2024-02-17. Review status: criteria provided, single submitter. Criteria: Ambry Variant Classification Scheme 2023. Collection method: clinical testing. Allele origin: germline.

Labcorp Genetics (formerly Invitae), Labcorp
Classification: Uncertain significance. Last evaluated: 2021-08-02. Review status: criteria provided, single submitter. Criteria: Invitae Variant Classification Sherloc (09022015). Collection method: clinical testing. Allele origin: germline.
Comment: This sequence change replaces proline with alanine at codon 573 of the MAGI2 protein (p.Pro573Ala). The proline residue is highly conserved and there is a small physicochemical difference between proline and alanine. In summary, the available evidence is currently insufficient to determine the role of this variant in disease. Therefore, it has been classified as a Variant of Uncertain Significance. Algorithms developed to predict the effect of missense changes on protein structure and function (SIFT, PolyPhen-2, Align-GVGD) all suggest that this variant is likely to be disruptive. This variant has not been reported in the literature in individuals affected with MAGI2-related conditions. This variant is present in population databases (rs145925666, ExAC 0.06%).